The following is an entry in ClinVar:

NM_058179.4(PSAT1):c.449A>G (p.Tyr150Cys)

Gene: PSAT1 (phosphoserine aminotransferase 1; plus strand). Cytogenetic location: 9q21.2.
Variant type: single nucleotide variant.
Coding change: c.449A>G on transcript NM_058179.4 (MANE Select); coding-DNA position 449, A replaced by G.
Protein change: p.Tyr150Cys; replaces tyrosine 150 with cysteine.
Molecular consequence: missense variant.
Genome position (GRCh38, 1-based): chr9:78,306,365, A>G. VCF-style: chr9-78306365-A-G. GRCh37 (hg19) VCF-style: chr9-80921281-A-G.
Other names: c.449A>G, p.Tyr150Cys (NM_021154.5); short protein forms Y150C.
Identifiers: ClinVar variation 976886 (VCV000976886.9), dbSNP rs371706852, ClinGen allele CA5095630.

ClinVar aggregate classification (germline): Uncertain significance. Review status: criteria provided, single submitter (1 of 4 stars). 2 submissions from 2 submitters: Uncertain significance (1). 1 of the submissions does not count toward it. Last evaluated 2024-10-15.

Conditions:
Neu-Laxova syndrome 2. Identifiers: Orphanet 2671, Orphanet 583602, MedGen C4015019, MONDO:0014466, OMIM 616038.

Allele frequency attached by ClinVar (database versions not stated): ExAC 0.00002; gnomAD 0.00002; gnomAD exomes 0.00002 and 0.00007; TOPMed 0.00003; ESP Exome Variant Server 0.00008.
gnomAD v4.1: 104 of 1,613,156 alleles (0.0064%); highest among the groups gnomAD compares: Non-Finnish European, 0.0081%; no homozygotes.

Submissions (2):

Labcorp Genetics (formerly Invitae), Labcorp
Classification: Uncertain significance for Neu-Laxova syndrome 2. Last evaluated: 2024-10-15. Review status: criteria provided, single submitter. Criteria: Invitae Variant Classification Sherloc (09022015). Collection method: clinical testing. Allele origin: germline.
Comment: This sequence change replaces tyrosine, which is neutral and polar, with cysteine, which is neutral and slightly polar, at codon 150 of the PSAT1 protein (p.Tyr150Cys). This variant is present in population databases (rs371706852, gnomAD 0.006%). This variant has not been reported in the literature in individuals affected with PSAT1-related conditions. ClinVar contains an entry for this variant (Variation ID: 976886). Invitae Evidence Modeling of protein sequence and biophysical properties (such as structural, functional, and spatial information, amino acid conservation, physicochemical variation, residue mobility, and thermodynamic stability) indicates that this missense variant is expected to disrupt PSAT1 protein function with a positive predictive value of 80%. Experimental studies have shown that this missense change affects PSAT1 function (PMID: 32077105). In summary, the available evidence is currently insufficient to determine the role of this variant in disease. Therefore, it has been classified as a Variant of Uncertain Significance.

Dudley Research Group, Pacific Northwest Research Institute
No classification provided. Review status: no classification provided. Collection method: research, in vivo. Allele origin: unknown, not applicable. Functional consequence: loss_of_function_variant. Not counted in ClinVar's aggregate classification.

Literature cited by the submitters: PubMed 32077105 (cited by Labcorp Genetics (formerly Invitae), Labcorp).